The following is an entry in ClinVar:

NM_000287.4(PEX6):c.1777G>T (p.Val593Leu)

Gene: PEX6 (peroxisomal biogenesis factor 6; minus strand). Cytogenetic location: 6p21.1.
Variant type: single nucleotide variant.
Coding change: c.1777G>T on transcript NM_000287.4 (MANE Select); coding-DNA position 1777, G replaced by T.
Protein change: p.Val593Leu; replaces valine 593 with leucine.
Molecular consequence: missense variant. On other transcripts: non-coding transcript variant (1).
Genome position (GRCh38, 1-based): chr6:42,967,475, C>A on the plus strand (G>T on the coding strand, the complement: PEX6 is on the minus strand). VCF-style: chr6-42967475-C-A. GRCh37 (hg19) VCF-style: chr6-42935213-C-A.
Other names: c.1513G>T, p.Val505Leu (NM_001316313.2); c.1777G>T (NM_000287.3); short protein forms V505L, V593L.
Identifiers: ClinVar variation 3714016 (VCV003714016.3).

ClinVar aggregate classification (germline): Uncertain significance. Review status: criteria provided, single submitter (1 of 4 stars). 2 submissions from 2 submitters: Uncertain significance (1). 1 of the submissions does not count toward it. Last evaluated 2024-05-18.

Conditions:
Zellweger spectrum disorders (ZS). Also called: Zellweger Spectrum Disorder (ZSD); Zellweger Spectrum Disorder; Zellweger Spectrum; Zellweger syndrome. Identifiers: Orphanet 912, MedGen C0043459, MONDO:0019609.
Peroxisome biogenesis disorder. Identifiers: Orphanet 79189, MedGen C1832200, MONDO:0019234. Disease mechanism: loss of function.

Submissions (2):

Labcorp Genetics (formerly Invitae), Labcorp
Classification: Uncertain significance for Peroxisome biogenesis disorder. Last evaluated: 2024-05-18. Review status: criteria provided, single submitter. Criteria: Invitae Variant Classification Sherloc (09022015). Collection method: clinical testing. Allele origin: germline.
Comment: This sequence change replaces valine, which is neutral and non-polar, with leucine, which is neutral and non-polar, at codon 593 of the PEX6 protein (p.Val593Leu). This variant is not present in population databases (gnomAD no frequency). This variant has not been reported in the literature in individuals affected with PEX6-related conditions. Advanced modeling of protein sequence and biophysical properties (such as structural, functional, and spatial information, amino acid conservation, physicochemical variation, residue mobility, and thermodynamic stability) performed at Invitae indicates that this missense variant is not expected to disrupt PEX6 protein function with a negative predictive value of 95%. In summary, the available evidence is currently insufficient to determine the role of this variant in disease. Therefore, it has been classified as a Variant of Uncertain Significance.

Natera, Inc.
Classification: Uncertain significance for Zellweger syndrome. Last evaluated: 2025-03-29. Review status: no assertion criteria provided. Collection method: clinical testing. Allele origin: germline. Not counted in ClinVar's aggregate classification.